The following is an entry in ClinVar:

ClinVar aggregate classification (germline): Likely benign (0 of 4 stars; one submission).

Conditions:
TNPO1-related disorder. Also called: TNPO1-related condition.

Submission:

PreventionGenetics, part of Exact Sciences
Classification: Likely benign for TNPO1-related condition. Last evaluated: 2023-03-28. Review status: no assertion criteria provided. Collection method: clinical testing. Allele origin: germline.
Comment: This variant is classified as likely benign based on ACMG/AMP sequence variant interpretation guidelines (Richards et al. 2015 PMID: 25741868, with internal and published modifications).

NM_002270.4(TNPO1):c.1304-10T>G

Gene: TNPO1 (transportin 1; plus strand). Cytogenetic location: 5q13.2.
Variant type: single nucleotide variant.
Coding change: c.1304-10T>G on transcript NM_002270.4 (MANE Select); 10 bases into the intron before coding-DNA position 1304, T replaced by G.
Molecular consequence: intron variant.
Genome position (GRCh38, 1-based): chr5:72,888,068, T>G. VCF-style: chr5-72888068-T-G. GRCh37 (hg19) VCF-style: chr5-72183895-T-G.
Other names: c.1280-10T>G (NM_001364292.3, NM_153188.4, NM_001364294.3 and 1 more transcripts); c.1154-10T>G (NM_001364295.3).
Identifiers: ClinVar variation 3035423 (VCV003035423.2), dbSNP rs2479187686, ClinGen allele CA2578333270.